The following is an entry in ClinVar:

NM_032436.4(CHAMP1):c.901A>G (p.Arg301Gly)

Gene: CHAMP1 (chromosome alignment maintaining phosphoprotein 1; plus strand). Cytogenetic location: 13q34.
Variant type: single nucleotide variant.
Coding change: c.901A>G on transcript NM_032436.4 (MANE Select); coding-DNA position 901, A replaced by G.
Protein change: p.Arg301Gly; replaces arginine 301 with glycine.
Molecular consequence: missense variant.
Genome position (GRCh38, 1-based): chr13:114,324,743, A>G. VCF-style: chr13-114324743-A-G. GRCh37 (hg19) VCF-style: chr13-115090218-A-G.
Other names: c.901A>G, p.Arg301Gly (NM_001164144.3, NM_001164145.3); short protein forms R301G.
Identifiers: ClinVar variation 4085651 (VCV004085651.8).

ClinVar aggregate classification (germline): Uncertain significance (1 of 4 stars; one submission).

Submission:

CeGaT Center for Human Genetics Tuebingen
Classification: Uncertain significance. Last evaluated: 2025-08-01. Review status: criteria provided, single submitter. Criteria: CeGaT Center For Human Genetics Tuebingen Variant Classification Criteria Version 2. Collection method: clinical testing. Allele origin: germline. Affected: yes. Observed: 1 variant allele.
Comment: CHAMP1: PM2, BP1